The following is an entry in ClinVar:

NM_032444.4(SLX4):c.4729G>C (p.Glu1577Gln)

Gene: SLX4 (SLX4 structure-specific endonuclease subunit; minus strand). Cytogenetic location: 16p13.3.
Variant type: single nucleotide variant.
Coding change: c.4729G>C on transcript NM_032444.4 (MANE Select); coding-DNA position 4729, G replaced by C.
Protein change: p.Glu1577Gln; replaces glutamic acid 1577 with glutamine.
Molecular consequence: missense variant.
Genome position (GRCh38, 1-based): chr16:3,584,779, C>G on the plus strand (G>C on the coding strand, the complement: SLX4 is on the minus strand). VCF-style: chr16-3584779-C-G. GRCh37 (hg19) VCF-style: chr16-3634780-C-G.
Other names: short protein forms E1577Q.
Identifiers: ClinVar variation 2828536 (VCV002828536.3), dbSNP rs2548208448, ClinGen allele CA394516036.

ClinVar aggregate classification (germline): Uncertain significance (1 of 4 stars; one submission).

Conditions:
Fanconi anemia (FA). Also called: Fanconi's anemia. Identifiers: Orphanet 84, MedGen C0015625, MeSH D005199, MONDO:0019391.

Submission:

Labcorp Genetics (formerly Invitae), Labcorp
Classification: Uncertain significance for Fanconi anemia. Last evaluated: 2023-01-14. Review status: criteria provided, single submitter. Criteria: Invitae Variant Classification Sherloc (09022015). Collection method: clinical testing. Allele origin: germline.
Comment: This sequence change replaces glutamic acid, which is acidic and polar, with glutamine, which is neutral and polar, at codon 1577 of the SLX4 protein (p.Glu1577Gln). In summary, the available evidence is currently insufficient to determine the role of this variant in disease. Therefore, it has been classified as a Variant of Uncertain Significance. Algorithms developed to predict the effect of missense changes on protein structure and function are either unavailable or do not agree on the potential impact of this missense change (SIFT: "Deleterious"; PolyPhen-2: "Possibly Damaging"; Align-GVGD: "Class C0"). This variant has not been reported in the literature in individuals affected with SLX4-related conditions. This variant is not present in population databases (gnomAD no frequency).